The following is an entry in ClinVar:

NM_177972.3(TUB):c.300C>T (p.Arg100=)

Genes: RIC3 (RIC3 acetylcholine receptor chaperone; minus strand), TUB (TUB bipartite transcription factor; plus strand). Cytogenetic location: 11p15.4.
Variant type: single nucleotide variant.
Coding change: c.300C>T on transcript NM_177972.3 (MANE Select); coding-DNA position 300, C replaced by T.
Protein change: p.Arg100=; no amino-acid change (arginine 100 retained).
Molecular consequence: synonymous variant. On other transcripts: non-coding transcript variant (1).
Genome position (GRCh38, 1-based): chr11:8,094,092, C>T. VCF-style: chr11-8094092-C-T. GRCh37 (hg19) VCF-style: chr11-8115639-C-T.
Other names: c.318C>T, p.Arg106= (NM_001440538.1, NM_001440539.1, NM_001440540.1 and 1 more transcripts); c.300C>T, p.Arg100= (NM_001440541.1); c.465C>T, p.Arg155= (NM_003320.5).
Identifiers: ClinVar variation 4992701 (VCV004992701.1).

ClinVar aggregate classification (germline): Likely benign (1 of 4 stars; one submission).

Conditions:
TUB-related disorder. Also called: TUB-related condition.

gnomAD v4.1: 2 of 1,614,162 alleles (0.00012%); highest among the groups gnomAD compares: Non-Finnish European, 0.00017%; no homozygotes.

Submission:

PreventionGenetics, part of Exact Sciences
Classification: Likely benign for TUB-related condition. Last evaluated: 2026-09-14. Review status: criteria provided, single submitter. Criteria: ACMG Guidelines, 2015. Collection method: clinical testing. Allele origin: germline.
Comment: This variant is classified as likely benign based on ACMG/AMP sequence variant interpretation guidelines (Richards et al. 2015 PMID: 25741868, with internal and published modifications).